The following is an entry in ClinVar:

ClinVar aggregate classification (germline): Uncertain significance. Review status: reviewed by expert panel (3 of 4 stars). 5 submissions from 5 submitters: Uncertain significance (1). 4 of the submissions do not count toward it. Last evaluated 2026-11-03.

Conditions:
Global developmental delay - lung cysts - overgrowth - Wilms tumor syndrome. Also called: GLOW Syndrome; GLOBAL DEVELOPMENTAL DELAY, LUNG CYSTS, OVERGROWTH, AND WILMS TUMOR. Identifiers: Orphanet 404476, MedGen C4748924, MONDO:0018445, OMIM 618272.
DICER1-related tumor predisposition. Also called: DICER1 syndrome; DICER1-related pleuropulmonary blastoma cancer predisposition syndrome. Identifiers: Orphanet 284343, MedGen C3839822, MONDO:0100216.
Hereditary cancer-predisposing syndrome. Also called: Hereditary Cancer Syndrome; Hereditary neoplastic syndrome; Neoplastic Syndromes, Hereditary; Tumor predisposition. Identifiers: Orphanet 140162, MedGen C0027672, MeSH D009386, MONDO:0015356.

Allele frequency attached by ClinVar (database versions not stated): gnomAD exomes below 0.00001 and 0.00001; TOPMed below 0.00001; gnomAD 0.00001.
gnomAD v4.1: 12 of 1,613,916 alleles (0.00074%); highest among the groups gnomAD compares: Non-Finnish European, 0.001%; no homozygotes.

Submissions (5):

ClinGen DICER1 and miRNA-Processing Gene Variant Curation Expert Panel, ClinGen
Classification: Uncertain significance for DICER1-related tumor predisposition. Last evaluated: 2026-11-03. Review status: reviewed by expert panel. Criteria: ClinGen DICER1 and miRNA-Processing Gene Expert Panel Specifications to the ACMG/AMP Variant Interpretation Guidelines for DICER1 Version 1.4. Collection method: curation. Allele origin: germline. Inheritance: Autosomal dominant inheritance.
Comment: The NM_177438.3:c.1453G>A variant in DICER1 is a missense variant predicted to cause substitution of glycine by arginine at amino acid 485 (p.Gly485Arg). To our knowledge, this variant has not been reported in individuals with DICER1-related tumor predisposition. The total allele frequency in gnomAD v4.1.1 is 0.000007435 (12/1613916 alleles) with a highest population minor allele frequency of 0.00001017 (12/1179952 alleles) in the European (non-Finnish) population (PM2_Supporting, BS1, and BA1 are not met). The computational predictor REVEL gives a score of 0.681, which is neither above nor below the thresholds predicting a damaging or benign impact on DICER1 function (PP3 and BP4 not met). A different missense variant, c.1454G>A (p.Gly485Glu), in the same codon has been reported (ClinVar Variation ID: 2738880). However, this variant has not yet met the criteria to be classified as pathogenic by the ClinGen DICER VCEP (PM5 not met). Although this variant has been observed in individuals undergoing genetic sequencing, to our knowledge, this variant has not been reported in individuals with DICER1-related tumor predisposition (PS4 not met; PMIDs, ClinVar GTRs, Internal lab contributors). In summary, this variant meets the criteria to be classified as a variant of uncertain significance for DICER1-related tumor predisposition based on the ACMG/AMP criteria applied, as specified by the ClinGen DICER1 VCEP: no criteria met (VCEP specifications version 1.4.0). Based on Tavtigian et al 2020 (PMID:32720330), the total points applied = 0, which equates to a classification of Uncertain Significance.

Labcorp Genetics (formerly Invitae), Labcorp
Classification: Uncertain significance for DICER1-related tumor predisposition. Last evaluated: 2025-12-20. Review status: criteria provided, single submitter. Criteria: Invitae Variant Classification Sherloc (09022015). Collection method: clinical testing. Allele origin: germline. Not counted in ClinVar's aggregate classification.
Comment: This sequence change replaces glycine, which is neutral and non-polar, with arginine, which is basic and polar, at codon 485 of the DICER1 protein (p.Gly485Arg). This variant is present in population databases (rs762155753, gnomAD 0.0009%). This variant has not been reported in the literature in individuals affected with DICER1-related conditions. ClinVar contains an entry for this variant (Variation ID: 477043). Invitae Evidence Modeling of protein sequence and biophysical properties (such as structural, functional, and spatial information, amino acid conservation, physicochemical variation, residue mobility, and thermodynamic stability) indicates that this missense variant is not expected to disrupt DICER1 protein function with a negative predictive value of 95%. In summary, the available evidence is currently insufficient to determine the role of this variant in disease. Therefore, it has been classified as a Variant of Uncertain Significance.

Baylor Genetics
Classification: Uncertain significance for Global developmental delay - lung cysts - overgrowth - Wilms tumor syndrome. Last evaluated: 2024-02-27. Review status: criteria provided, single submitter. Criteria: ACMG Guidelines, 2015. Collection method: clinical testing. Allele origin: unknown. Not counted in ClinVar's aggregate classification.

Ambry Genetics
Classification: Uncertain significance for Hereditary cancer-predisposing syndrome. Last evaluated: 2024-02-23. Review status: criteria provided, single submitter. Criteria: Ambry Variant Classification Scheme 2023. Collection method: clinical testing. Allele origin: germline. Not counted in ClinVar's aggregate classification.
Comment: The p.G485R variant (also known as c.1453G>A), located in coding exon 8 of the DICER1 gene, results from a G to A substitution at nucleotide position 1453. The glycine at codon 485 is replaced by arginine, an amino acid with dissimilar properties. This amino acid position is highly conserved in available vertebrate species. In addition, this alteration is predicted to be deleterious by in silico analysis. Since supporting evidence is limited at this time, the clinical significance of this alteration remains unclear.

GeneDx
Classification: Uncertain significance. Last evaluated: 2022-09-26. Review status: criteria provided, single submitter. Criteria: GeneDx Variant Classification Process June 2021. Collection method: clinical testing. Allele origin: germline. Affected: yes. Not counted in ClinVar's aggregate classification.
Comment: Not observed at significant frequency in large population cohorts (gnomAD); In silico analysis supports that this missense variant does not alter protein structure/function; Has not been previously published as pathogenic or benign to our knowledge

NM_177438.3(DICER1):c.1453G>A (p.Gly485Arg)

Gene: DICER1 (dicer 1, ribonuclease III; minus strand). Cytogenetic location: 14q32.13.
Variant type: single nucleotide variant.
Coding change: c.1453G>A on transcript NM_177438.3 (MANE Select); coding-DNA position 1453, G replaced by A.
Protein change: p.Gly485Arg; replaces glycine 485 with arginine.
Molecular consequence: missense variant.
Genome position (GRCh38, 1-based): chr14:95,117,678, C>T on the plus strand (G>A on the coding strand, the complement: DICER1 is on the minus strand). VCF-style: chr14-95117678-C-T. GRCh37 (hg19) VCF-style: chr14-95584015-C-T.
Other names: NM_177438.3(DICER1):c.1453G>A; p.Gly485Arg; c.1453G>A, p.Gly485Arg (NM_001195573.1, NM_001271282.3, NM_001291628.2 and 1 more transcripts); short protein forms G485R.
Identifiers: ClinVar variation 477043 (VCV000477043.19), dbSNP rs762155753, ClinGen allele CA265917282.